The following is an entry in ClinVar:

NC_000005.9:g.(?_156184572)_(156186401_?)dup

Gene: SGCD (sarcoglycan delta; plus strand). Cytogenetic location: 5q33.3.
Variant type: Duplication.
Identifiers: ClinVar variation 1409531 (VCV001409531.6).

ClinVar aggregate classification (germline): Uncertain significance (1 of 4 stars; one submission).

Conditions:
Autosomal recessive limb-girdle muscular dystrophy type 2F (LGMDR6). Also called: Muscular dystrophy limb-girdle with delta-sarcoglyan deficiency; MUSCULAR DYSTROPHY, LIMB-GIRDLE, AUTOSOMAL RECESSIVE 6. Identifiers: Orphanet 219, MedGen C1832525, MONDO:0011028, OMIM 601287. Disease mechanism: Affects gamma-sarcoglycan and also disrupts the integrity of the entire sarcoglycan complex..

Submission:

Labcorp Genetics (formerly Invitae), Labcorp
Classification: Uncertain significance for Autosomal recessive limb-girdle muscular dystrophy type 2F. Last evaluated: 2021-07-14. Review status: criteria provided, single submitter. Criteria: Invitae Variant Classification Sherloc (09022015). Collection method: clinical testing. Allele origin: germline.
Comment: Experimental studies and prediction algorithms are not available or were not evaluated, and the functional significance of this variant is currently unknown. In summary, the available evidence is currently insufficient to determine the role of this variant in disease. Therefore, it has been classified as a Variant of Uncertain Significance. This variant has not been reported in the literature in individuals affected with SGCD-related conditions. This variant results in a copy number gain of the genomic region encompassing exon(s) 8-9 of the SGCD gene. The 5' boundary is likely confined to intron 7. The 3' end of this event is unknown as it extends beyond the assayed region for this gene and therefore may encompass additional genes. As the precise location of this event is unknown, it may be in tandem or it may be located elsewhere in the genome.